The following is an entry in ClinVar:

ClinVar aggregate classification (germline): Likely benign. Review status: criteria provided, multiple submitters, no conflicts (2 of 4 stars). 3 submissions from 3 submitters: Likely benign (3). Last evaluated 2026-01-16.

Conditions:
Cardiovascular phenotype. Identifiers: MedGen CN230736.
Dilated cardiomyopathy 1G (CMD1G). Identifiers: Orphanet 154, MedGen C1858763, MONDO:0011400, OMIM 604145.
Autosomal recessive limb-girdle muscular dystrophy type 2J (LGMDR10). Also called: Limb-girdle muscular dystrophy, type 2J; MUSCULAR DYSTROPHY, LIMB-GIRDLE, AUTOSOMAL RECESSIVE 10. Identifiers: Orphanet 140922, MedGen C1837342, MONDO:0012127, OMIM 608807.

Allele frequency attached by ClinVar (database versions not stated): gnomAD exomes below 0.00001 and 0.00001; gnomAD 0.00001; TOPMed 0.00002.
gnomAD v4.1: 10 of 1,605,294 alleles (0.00062%); highest among the groups gnomAD compares: Non-Finnish European, 0.00077%; no homozygotes.

Submissions (3):

Labcorp Genetics (formerly Invitae), Labcorp
Classification: Likely benign for Dilated cardiomyopathy 1G; Autosomal recessive limb-girdle muscular dystrophy type 2J. Last evaluated: 2026-01-16. Review status: criteria provided, single submitter. Criteria: Invitae Variant Classification Sherloc (09022015). Collection method: clinical testing. Allele origin: germline.

Ambry Genetics
Classification: Likely benign for Cardiovascular phenotype. Last evaluated: 2023-09-01. Review status: criteria provided, single submitter. Criteria: Ambry Variant Classification Scheme 2023. Collection method: clinical testing. Allele origin: germline.

GeneDx
Classification: Likely benign. Last evaluated: 2016-03-22. Review status: criteria provided, single submitter. Criteria: GeneDx Variant Classification (06012015). Collection method: clinical testing. Allele origin: germline. Affected: yes.
Comment: This variant is considered likely benign or benign based on one or more of the following criteria: it is a conservative change, it occurs at a poorly conserved position in the protein, it is predicted to be benign by multiple in silico algorithms, and/or has population frequency not consistent with disease.

NM_001267550.2(TTN):c.72864A>G (p.Thr24288=)

Genes: TTN (titin; minus strand), TTN-AS1 (TTN antisense RNA 1; plus strand). Cytogenetic location: 2q31.2.
Variant type: single nucleotide variant.
Coding change: c.72864A>G on transcript NM_001267550.2 (MANE Select); coding-DNA position 72864, A replaced by G.
Protein change: p.Thr24288=; no amino-acid change (threonine 24288 retained).
Molecular consequence: synonymous variant.
Genome position (GRCh38, 1-based): chr2:178,573,268, T>C on the plus strand (A>G on the coding strand, the complement: TTN is on the minus strand). VCF-style: chr2-178573268-T-C. GRCh37 (hg19) VCF-style: chr2-179437995-T-C.
Other names: c.67941A>G, p.Thr22647= (NM_001256850.1); c.45669A>G, p.Thr15223= (NM_003319.4); c.65160A>G, p.Thr21720= (NM_133378.4); c.46044A>G, p.Thr15348= (NM_133432.3); c.46245A>G, p.Thr15415= (NM_133437.4).
Identifiers: ClinVar variation 380409 (VCV000380409.17), dbSNP rs879070035, ClinGen allele CA16603994.